The following is an entry in ClinVar:

ClinVar aggregate classification (germline): Uncertain significance (1 of 4 stars; one submission).

Conditions:
Cardiovascular phenotype. Identifiers: MedGen CN230736.

gnomAD v4.1: 1 of 1,614,042 alleles (0.000062%); highest among the groups gnomAD compares: African/African-American, 0.0013%; no homozygotes.

Submission:

Ambry Genetics
Classification: Uncertain significance for Cardiovascular phenotype. Last evaluated: 2026-01-29. Review status: criteria provided, single submitter. Criteria: Ambry Variant Classification Scheme 2023. Collection method: clinical testing. Allele origin: germline.
Comment: The p.E247K variant (also known as c.739G>A), located in coding exon 5 of the LPL gene, results from a G to A substitution at nucleotide position 739. The glutamic acid at codon 247 is replaced by lysine, an amino acid with similar properties. This amino acid position is not well conserved in available vertebrate species. In addition, the in silico prediction for this alteration is inconclusive. Based on the available evidence, the clinical significance of this variant remains unclear.

NM_000237.3(LPL):c.739G>A (p.Glu247Lys)

Gene: LPL (lipoprotein lipase; plus strand). Cytogenetic location: 8p21.3.
Variant type: single nucleotide variant.
Coding change: c.739G>A on transcript NM_000237.3 (MANE Select); coding-DNA position 739, G replaced by A.
Protein change: p.Glu247Lys; replaces glutamic acid 247 with lysine.
Molecular consequence: missense variant.
Genome position (GRCh38, 1-based): chr8:19,954,317, G>A. VCF-style: chr8-19954317-G-A. GRCh37 (hg19) VCF-style: chr8-19811828-G-A.
Other names: short protein forms E247K.
Identifiers: ClinVar variation 4825633 (VCV004825633.1).